The following is an entry in ClinVar:

ClinVar aggregate classification (germline): Uncertain significance (1 of 4 stars; one submission).

Submission:

Women's Health and Genetics/Laboratory Corporation of America, LabCorp
Classification: Uncertain significance. Last evaluated: 2025-05-14. Review status: criteria provided, single submitter. Criteria: LabCorp Variant Classification Summary - May 2015. Collection method: clinical testing. Allele origin: germline.
Comment: Variant summary: POMT2 c.1891G>A (p.Gly631Arg) results in a non-conservative amino acid change in the encoded protein sequence. Algorithms developed to predict the effect of missense changes on protein structure and function all suggest that this variant is likely to be disruptive. The variant was absent in 248058 control chromosomes. The available data on variant occurrences in the general population are insufficient to allow any conclusion about variant significance. c.1891G>A has been observed in an individual affected with Limb-Girdle Muscular Dystrophy, Autosomal Recessive (Alby_2016). These data do not allow any conclusion about variant significance. To our knowledge, no experimental evidence demonstrating an impact on protein function has been reported. The following publication have been ascertained in the context of this evaluation (PMID: 26663670). No submitters have cited clinical-significance assessments for this variant to ClinVar. Based on the evidence outlined above, the variant was classified as uncertain significance.

Literature cited by the submitters: PubMed 26663670.

NM_013382.7(POMT2):c.1891G>A (p.Gly631Arg)

Gene: POMT2 (protein O-mannosyltransferase 2; minus strand). Cytogenetic location: 14q24.3.
Variant type: single nucleotide variant.
Coding change: c.1891G>A on transcript NM_013382.7 (MANE Select); coding-DNA position 1891, G replaced by A.
Protein change: p.Gly631Arg; replaces glycine 631 with arginine.
Molecular consequence: missense variant.
Genome position (GRCh38, 1-based): chr14:77,279,823, C>T on the plus strand (G>A on the coding strand, the complement: POMT2 is on the minus strand). VCF-style: chr14-77279823-C-T. GRCh37 (hg19) VCF-style: chr14-77746166-C-T.
Other names: short protein forms G631R.
Identifiers: ClinVar variation 3902204 (VCV003902204.1).